The following is an entry in ClinVar:

ClinVar aggregate classification (germline): Conflicting classifications of pathogenicity. Review status: criteria provided, conflicting classifications (1 of 4 stars). 2 submissions from 2 submitters: Pathogenic (1); Uncertain significance (1). Last evaluated 2024-10-23.

Conditions:
Hereditary spastic paraplegia 4. Also called: Spastic paraplegia 4, autosomal dominant; Spastic Paraplegia 4; Familial spastic paraplegia autosomal dominant 2. Identifiers: Orphanet 100985, MedGen C1866855, MONDO:0008438, OMIM 182601.

Submissions (2):

Labcorp Genetics (formerly Invitae), Labcorp
Classification: Uncertain significance for Hereditary spastic paraplegia 4. Last evaluated: 2024-10-23. Review status: criteria provided, single submitter. Criteria: Invitae Variant Classification Sherloc (09022015). Collection method: clinical testing. Allele origin: germline.
Comment: This sequence change replaces leucine, which is neutral and non-polar, with valine, which is neutral and non-polar, at codon 466 of the SPAST protein (p.Leu466Val). This variant is not present in population databases (gnomAD no frequency). This missense change has been observed in individuals with clinical features of hereditary spastic paraplegia (PMID: 25454648, 34983064; internal data). ClinVar contains an entry for this variant (Variation ID: 989176). Invitae Evidence Modeling of protein sequence and biophysical properties (such as structural, functional, and spatial information, amino acid conservation, physicochemical variation, residue mobility, and thermodynamic stability) indicates that this missense variant is expected to disrupt SPAST protein function with a positive predictive value of 80%. In summary, the available evidence is currently insufficient to determine the role of this variant in disease. Therefore, it has been classified as a Variant of Uncertain Significance.

Paris Brain Institute, Inserm - ICM
Classification: Pathogenic for Hereditary spastic paraplegia 4. Review status: criteria provided, single submitter. Criteria: ACMG Guidelines, 2015. Collection method: clinical testing. Allele origin: unknown. Affected: yes. Observed: 1 variant allele.

Literature cited by the submitters: PubMed 25454648 (cited by Labcorp Genetics (formerly Invitae), Labcorp); PubMed 34983064 (cited by Labcorp Genetics (formerly Invitae), Labcorp).

NM_014946.4(SPAST):c.1396C>G (p.Leu466Val)

Gene: SPAST (spastin; plus strand). Cytogenetic location: 2p22.3.
Variant type: single nucleotide variant.
Coding change: c.1396C>G on transcript NM_014946.4 (MANE Select); coding-DNA position 1396, C replaced by G.
Protein change: p.Leu466Val; replaces leucine 466 with valine.
Molecular consequence: missense variant.
Genome position (GRCh38, 1-based): chr2:32,136,951, C>G. VCF-style: chr2-32136951-C-G. GRCh37 (hg19) VCF-style: chr2-32362020-C-G.
Other names: c.1393C>G, p.Leu465Val (NM_001363823.2); c.1297C>G, p.Leu433Val (NM_001363875.2); c.1300C>G, p.Leu434Val (NM_001377959.1, NM_199436.2); short protein forms L433V, L434V, L465V, L466V.
Identifiers: ClinVar variation 989176 (VCV000989176.3), dbSNP rs1553318252, ClinGen allele CA346502329.
Genomic context (GRCh38, chr2:32,136,951, plus strand): 5'-CTTTTGTGTGAAAGAAGAGAAGGGGAGCACGATGCTAGTAGACGCCTAAAAACTGAATTT[C>G]TAATAGAATTTGATGGTGTAAGTGTTGATTATGATATTTTTAATGTGGCAGCATTTTAGT-3'
Protein context (NP_055761.2, residues 456-476): DASRRLKTEF[Leu466Val]IEFDGVQSAG